The following is an entry in ClinVar:

NM_032607.3(CREB3L3):c.573C>A (p.Asp191Glu)

Gene: CREB3L3 (cAMP responsive element binding protein 3 like 3; plus strand). Cytogenetic location: 19p13.3.
Variant type: single nucleotide variant.
Coding change: c.573C>A on transcript NM_032607.3 (MANE Select); coding-DNA position 573, C replaced by A.
Protein change: p.Asp191Glu; replaces aspartic acid 191 with glutamic acid.
Molecular consequence: missense variant.
Genome position (GRCh38, 1-based): chr19:4,159,779, C>A. VCF-style: chr19-4159779-C-A. GRCh37 (hg19) VCF-style: chr19-4159776-C-A.
Other names: c.570C>A, p.Asp190Glu (NM_001271995.2); c.573C>A, p.Asp191Glu (NM_001271996.2, NM_001271997.2); short protein forms D191E, D190E.
Identifiers: ClinVar variation 1442778 (VCV001442778.8), dbSNP rs1752744784, ClinGen allele CA403402934.

ClinVar aggregate classification (germline): Uncertain significance (1 of 4 stars; one submission).

Allele frequency attached by ClinVar (database versions not stated): TOPMed below 0.00001; gnomAD exomes 0.00001.
gnomAD v4.1: 13 of 1,375,722 alleles (0.00094%); highest among the groups gnomAD compares: Non-Finnish European, 0.0014%; no homozygotes.

Submission:

Labcorp Genetics (formerly Invitae), Labcorp
Classification: Uncertain significance. Last evaluated: 2024-02-22. Review status: criteria provided, single submitter. Criteria: Invitae Variant Classification Sherloc (09022015). Collection method: clinical testing. Allele origin: germline.
Comment: This sequence change replaces aspartic acid, which is acidic and polar, with glutamic acid, which is acidic and polar, at codon 191 of the CREB3L3 protein (p.Asp191Glu). This variant is not present in population databases (gnomAD no frequency). This variant has not been reported in the literature in individuals affected with CREB3L3-related conditions. ClinVar contains an entry for this variant (Variation ID: 1442778). Advanced modeling of protein sequence and biophysical properties (such as structural, functional, and spatial information, amino acid conservation, physicochemical variation, residue mobility, and thermodynamic stability) performed at Invitae indicates that this missense variant is not expected to disrupt CREB3L3 protein function with a negative predictive value of 80%. In summary, the available evidence is currently insufficient to determine the role of this variant in disease. Therefore, it has been classified as a Variant of Uncertain Significance.